The following is an entry in ClinVar:

NM_021831.6(AGBL5):c.2113C>T (p.Arg705Trp)

Gene: AGBL5 (AGBL carboxypeptidase 5; plus strand). Cytogenetic location: 2p23.3.
Variant type: single nucleotide variant.
Coding change: c.2113C>T on transcript NM_021831.6 (MANE Select); coding-DNA position 2113, C replaced by T.
Protein change: p.Arg705Trp; replaces arginine 705 with tryptophan.
Molecular consequence: missense variant. On other transcripts: non-coding transcript variant (2).
Genome position (GRCh38, 1-based): chr2:27,067,517, C>T. VCF-style: chr2-27067517-C-T. GRCh37 (hg19) VCF-style: chr2-27290385-C-T.
Other names: short protein forms R705W.
Identifiers: ClinVar variation 1044691 (VCV001044691.8), dbSNP rs370247259, ClinGen allele CA1568100.

ClinVar aggregate classification (germline): Uncertain significance. Review status: criteria provided, multiple submitters, no conflicts (2 of 4 stars). 2 submissions from 2 submitters: Uncertain significance (2). Last evaluated 2026-01-05.

Allele frequency attached by ClinVar (database versions not stated): gnomAD 0.00001 and 0.00002; gnomAD exomes 0.00002; TOPMed 0.00002; ExAC 0.00004; ESP Exome Variant Server 0.00015.

Submissions (2):

Labcorp Genetics (formerly Invitae), Labcorp
Classification: Uncertain significance. Last evaluated: 2026-01-05. Review status: criteria provided, single submitter. Criteria: Invitae Variant Classification Sherloc (09022015). Collection method: clinical testing. Allele origin: germline.
Comment: This sequence change replaces arginine, which is basic and polar, with tryptophan, which is neutral and slightly polar, at codon 705 of the AGBL5 protein (p.Arg705Trp). This variant is present in population databases (rs370247259, gnomAD 0.005%). This variant has not been reported in the literature in individuals affected with AGBL5-related conditions. ClinVar contains an entry for this variant (Variation ID: 1044691). An algorithm developed to predict the effect of missense changes on protein structure and function (PolyPhen-2) suggests that this variant is likely to be disruptive. In summary, the available evidence is currently insufficient to determine the role of this variant in disease. Therefore, it has been classified as a Variant of Uncertain Significance.

Blueprint Genetics
Classification: Uncertain significance. Last evaluated: 2024-07-09. Review status: criteria provided, single submitter. Criteria: ACMG Guidelines, 2015. Collection method: clinical testing. Allele origin: germline.